The following is an entry in ClinVar:

ClinVar aggregate classification (germline): Uncertain significance (1 of 4 stars; one submission).

Conditions:
Charcot-Marie-Tooth disease axonal type 2F (CMT2F). Also called: CHARCOT-MARIE-TOOTH DISEASE, NEURONAL, TYPE 2F; Charcot-Marie-Tooth Neuropathy Type 2F. Identifiers: Orphanet 99940, MedGen C1847823, MONDO:0011687, OMIM 606595.

Allele frequency attached by ClinVar (database versions not stated): ExAC 0.00001; TOPMed 0.00002.
gnomAD v4.1: 19 of 1,602,060 alleles (0.0012%); highest among the groups gnomAD compares: Non-Finnish European, 0.0014%; no homozygotes.

Submission:

Labcorp Genetics (formerly Invitae), Labcorp
Classification: Uncertain significance for Charcot-Marie-Tooth disease axonal type 2F. Last evaluated: 2020-12-10. Review status: criteria provided, single submitter. Criteria: Invitae Variant Classification Sherloc (09022015). Collection method: clinical testing. Allele origin: germline.
Comment: This variant has not been reported in the literature in individuals with HSPB1-related conditions. In summary, the available evidence is currently insufficient to determine the role of this variant in disease. Therefore, it has been classified as a Variant of Uncertain Significance. Algorithms developed to predict the effect of missense changes on protein structure and function are either unavailable or do not agree on the potential impact of this missense change (SIFT: "Deleterious"; PolyPhen-2: "Probably Damaging"; Align-GVGD: "Class C0"). This variant is present in population databases (rs748003351, ExAC 0.002%). This sequence change replaces glutamic acid with lysine at codon 3 of the HSPB1 protein (p.Glu3Lys). The glutamic acid residue is highly conserved and there is a small physicochemical difference between glutamic acid and lysine.

NM_001540.5(HSPB1):c.7G>A (p.Glu3Lys)

Gene: HSPB1 (heat shock protein family B (small) member 1; plus strand). Cytogenetic location: 7q11.23.
Variant type: single nucleotide variant.
Coding change: c.7G>A on transcript NM_001540.5 (MANE Select); coding-DNA position 7, G replaced by A.
Protein change: p.Glu3Lys; replaces glutamic acid 3 with lysine.
Molecular consequence: missense variant.
Genome position (GRCh38, 1-based): chr7:76,302,719, G>A. VCF-style: chr7-76302719-G-A. GRCh37 (hg19) VCF-style: chr7-75932036-G-A.
Other names: short protein forms E3K.
Identifiers: ClinVar variation 1042309 (VCV001042309.8), dbSNP rs748003351, ClinGen allele CA4306228.